The following is an entry in ClinVar:

ClinVar aggregate classification (germline): Benign/Likely benign. Review status: criteria provided, multiple submitters, no conflicts (2 of 4 stars). 3 submissions from 3 submitters: Benign (1); Likely benign (2). Last evaluated 2026-05-01.

Submissions (3):

CeGaT Center for Human Genetics Tuebingen
Classification: Likely benign. Last evaluated: 2026-05-01. Review status: criteria provided, single submitter. Criteria: CeGaT Center For Human Genetics Tuebingen Variant Classification Criteria Version 2. Collection method: clinical testing. Allele origin: germline. Affected: yes. Observed: 1 variant allele.
Comment: MICU1: BP4

Labcorp Genetics (formerly Invitae), Labcorp
Classification: Benign. Last evaluated: 2026-01-26. Review status: criteria provided, single submitter. Criteria: Invitae Variant Classification Sherloc (09022015). Collection method: clinical testing. Allele origin: germline.

GeneDx
Classification: Likely benign. Last evaluated: 2020-11-24. Review status: criteria provided, single submitter. Criteria: GeneDx Variant Classification Process June 2021. Collection method: clinical testing. Allele origin: germline. Affected: yes.

NM_001195518.2(MICU1):c.1181-4dup

Gene: MICU1 (mitochondrial calcium uptake 1; minus strand). Cytogenetic location: 10q22.1.
Variant type: Duplication.
Coding change: c.1181-4dup on transcript NM_001195518.2 (MANE Select); 4 bases into the intron before coding-DNA position 1181, one base duplicated (T; older notation c.1181-4dupT).
Molecular consequence: intron variant.
Genome position (GRCh38, 1-based): chr10:72,375,876, A duplicated on the plus strand (T on the coding strand, the reverse complement: MICU1 is on the minus strand); the first of 6 consecutive A bases (chr10:72,375,876-72,375,881); duplicating any one gives the same sequence. VCF-style (leftmost placement, unchanged base first): chr10-72375875-G-GA. GRCh37 (hg19) VCF-style: chr10-74135633-G-GA.
Other names: c.1187-4dupT (NM_006077.3); c.1187-4dup (NM_006077.4); c.1199-4dup (NM_001363513.2); c.587-4dup (NM_001195519.2).
Identifiers: ClinVar variation 420282 (VCV000420282.13), dbSNP rs755044721, ClinGen allele CA5550036.
Genomic context (GRCh38, chr10:72,375,875, plus strand): 5'-CACACGTGGTCTGAGAGCTCCACTTTAGCCACTGTCCTGGCCACCTGCTGCATGGTCACT[G>GA]AAAAAAGAAAGAGGTGCATTAGCACAGCAGAGGGATTTTCATTTTGCTTTCTCTGATTCA-3'